The following is an entry in ClinVar:

ClinVar aggregate classification (germline): Benign/Likely benign. Review status: criteria provided, multiple submitters, no conflicts (2 of 4 stars). 3 submissions from 3 submitters: Benign (2); Likely benign (1). Last evaluated 2025-02-27.

Conditions:
DNAH7-related disorder. Also called: DNAH7-related condition.

Allele frequency attached by ClinVar (database versions not stated): ESP Exome Variant Server 0.00024; gnomAD exomes 0.00269 and 0.00831; gnomAD 0.00519 and 0.00568; ExAC 0.00663; TOPMed 0.00777; 1000 Genomes Project 0.01318; 1000 Genomes Project 30x 0.01343.
gnomAD v4.1: 4,811 of 1,613,990 alleles (0.3%); highest among the groups gnomAD compares: Admixed American, 4.1%; 118 homozygotes.

Submissions (3):

PreventionGenetics, part of Exact Sciences
Classification: Likely benign for DNAH7-related condition. Last evaluated: 2025-02-27. Review status: criteria provided, single submitter. Criteria: ACMG Guidelines, 2015. Collection method: clinical testing. Allele origin: germline.
Comment: This variant is classified as likely benign based on ACMG/AMP sequence variant interpretation guidelines (Richards et al. 2015 PMID: 25741868, with internal and published modifications).

Labcorp Genetics (formerly Invitae), Labcorp
Classification: Benign. Last evaluated: 2018-06-06. Review status: criteria provided, single submitter. Criteria: Invitae Variant Classification Sherloc (09022015). Collection method: clinical testing. Allele origin: germline.

Breakthrough Genomics
Classification: Benign. Review status: criteria provided, single submitter. Criteria: ACMG Guidelines, 2015. Collection method: not provided. Allele origin: germline. Inheritance: Unknown mechanism. Affected: yes.

NM_018897.3(DNAH7):c.4456C>T (p.Arg1486Cys)

Gene: DNAH7 (dynein axonemal heavy chain 7; minus strand). Cytogenetic location: 2q32.3.
Variant type: single nucleotide variant.
Coding change: c.4456C>T on transcript NM_018897.3 (MANE Select); coding-DNA position 4456, C replaced by T.
Protein change: p.Arg1486Cys; replaces arginine 1486 with cysteine.
Molecular consequence: missense variant.
Genome position (GRCh38, 1-based): chr2:195,900,374, G>A on the plus strand (C>T on the coding strand, the complement: DNAH7 is on the minus strand). VCF-style: chr2-195900374-G-A. GRCh37 (hg19) VCF-style: chr2-196765098-G-A.
Other names: short protein forms R1486C.
Identifiers: ClinVar variation 783124 (VCV000783124.5), dbSNP rs148270536, ClinGen allele CA2035718.
Genomic context (GRCh38, chr2:195,900,374, plus strand): 5'-TCACGGCTCTCATTCCATAGTCGTAGTGATGTTGAGATGACAGCTGCTCTGAACACAAGC[G>A]ATACGTAGCCACAATTTTTACAGACAGTGGTCGAGCAGTGACAAACCCACAGGAGTATAG-3'
Protein context (NP_061720.2, residues 1476-1496): PLSVKIVATY[Arg1486Cys]LCSEQLSSQH